The following is an entry in ClinVar:

ClinVar aggregate classification (germline): Benign (1 of 4 stars; one submission).

Allele frequency attached by ClinVar (database versions not stated): gnomAD exomes 0.00015; ExAC 0.00027; TOPMed 0.00078; gnomAD 0.00080 and 0.00088; ESP Exome Variant Server 0.00108.
gnomAD v4.1: 217 of 1,612,012 alleles (0.013%); highest among the groups gnomAD compares: African/African-American, 0.28%; no homozygotes.

Submission:

GeneDx
Classification: Benign. Last evaluated: 2012-09-24. Review status: criteria provided, single submitter. Criteria: GeneDx Variant Classification (06012015). Collection method: clinical testing. Allele origin: germline. Affected: yes.
Comment: This variant is considered likely benign or benign based on one or more of the following criteria: it is a conservative change, it occurs at a poorly conserved position in the protein, it is predicted to be benign by multiple in silico algorithms, and/or has population frequency not consistent with disease.

NM_001330078.2(NRXN1):c.3365-109703A>T

Gene: NRXN1 (neurexin 1; minus strand). Cytogenetic location: 2p16.3.
Variant type: single nucleotide variant.
Coding change: c.3365-109703A>T on transcript NM_001330078.2 (MANE Select); 109703 bases into the intron before coding-DNA position 3365, A replaced by T.
Molecular consequence: intron variant.
Genome position (GRCh38, 1-based): chr2:50,346,673, T>A on the plus strand (A>T on the coding strand, the complement: NRXN1 is on the minus strand). VCF-style: chr2-50346673-T-A. GRCh37 (hg19) VCF-style: chr2-50573811-T-A.
Other names: c.3254-109703A>T (NM_001330096.2, NM_001330087.2); c.3299-109703A>T (NM_001330083.2, NM_001330084.2); c.3284-109703A>T (NM_001330088.2); c.3362-109703A>T (NM_001330093.2); c.3353-109703A>T (NM_001330094.2); c.3314-109703A>T (NM_001330095.2); c.3341-109703A>T (NM_001330082.2, NM_001330077.2); c.3338-109703A>T (NM_001330085.2); and 3 more.
Identifiers: ClinVar variation 206210 (VCV000206210.1), dbSNP rs199700602, ClinGen allele CA316070.